The following is an entry in ClinVar:

ClinVar aggregate classification (germline): Uncertain significance. Review status: criteria provided, multiple submitters, no conflicts (2 of 4 stars). 6 submissions from 6 submitters: Uncertain significance (6). Last evaluated 2025-10-15.

Conditions:
Inborn genetic diseases. Identifiers: MedGen C0950123, MeSH D030342.

Allele frequency attached by ClinVar (database versions not stated): TOPMed 0.00019.

Submissions (6):

Ambry Genetics
Classification: Uncertain significance for Inborn genetic diseases. Last evaluated: 2025-10-15. Review status: criteria provided, single submitter. Criteria: Ambry Variant Classification Scheme 2023. Collection method: clinical testing. Allele origin: germline.

Mayo Clinic Laboratories, Mayo Clinic
Classification: Uncertain significance. Last evaluated: 2025-05-14. Review status: criteria provided, single submitter. Criteria: ACMG Guidelines, 2015. Collection method: clinical testing. Allele origin: germline. Observed: 1 variant allele.
Comment: BP4, PM2_supporting

Blueprint Genetics
Classification: Uncertain significance. Last evaluated: 2024-10-24. Review status: criteria provided, single submitter. Criteria: ACMG Guidelines, 2015. Collection method: clinical testing. Allele origin: germline.

GeneDx
Classification: Uncertain significance. Last evaluated: 2024-08-05. Review status: criteria provided, single submitter. Criteria: GeneDx Variant Classification Process June 2021. Collection method: clinical testing. Allele origin: germline. Affected: yes.
Comment: In silico analysis supports that this missense variant has a deleterious effect on protein structure/function; Has not been previously published as pathogenic or benign to our knowledge

CeGaT Center for Human Genetics Tuebingen
Classification: Uncertain significance. Last evaluated: 2024-08-01. Review status: criteria provided, single submitter. Criteria: CeGaT Center For Human Genetics Tuebingen Variant Classification Criteria Version 2. Collection method: clinical testing. Allele origin: germline. Affected: yes. Observed: 1 variant allele.
Comment: PDZD7: PM2, BP4

Labcorp Genetics (formerly Invitae), Labcorp
Classification: Uncertain significance. Last evaluated: 2022-10-31. Review status: criteria provided, single submitter. Criteria: Invitae Variant Classification Sherloc (09022015). Collection method: clinical testing. Allele origin: germline.
Comment: This sequence change replaces proline, which is neutral and non-polar, with leucine, which is neutral and non-polar, at codon 93 of the PDZD7 protein (p.Pro93Leu). This variant is present in population databases (rs757518712, gnomAD 0.06%). This variant has not been reported in the literature in individuals affected with PDZD7-related conditions. ClinVar contains an entry for this variant (Variation ID: 860312). Advanced modeling of protein sequence and biophysical properties (such as structural, functional, and spatial information, amino acid conservation, physicochemical variation, residue mobility, and thermodynamic stability) performed at Invitae indicates that this missense variant is not expected to disrupt PDZD7 protein function. In summary, the available evidence is currently insufficient to determine the role of this variant in disease. Therefore, it has been classified as a Variant of Uncertain Significance.

NM_001195263.2(PDZD7):c.278C>T (p.Pro93Leu)

Gene: PDZD7 (PDZ domain containing 7; minus strand). Cytogenetic location: 10q24.31.
Variant type: single nucleotide variant.
Coding change: c.278C>T on transcript NM_001195263.2 (MANE Select); coding-DNA position 278, C replaced by T.
Protein change: p.Pro93Leu; replaces proline 93 with leucine.
Molecular consequence: missense variant.
Genome position (GRCh38, 1-based): chr10:101,024,017, G>A on the plus strand (C>T on the coding strand, the complement: PDZD7 is on the minus strand). VCF-style: chr10-101024017-G-A. GRCh37 (hg19) VCF-style: chr10-102783774-G-A.
Other names: p.Pro93Leu; c.278C>T, p.Pro93Leu (NM_001351044.2, NM_024895.5); short protein forms P93L.
Identifiers: ClinVar variation 860312 (VCV000860312.25), dbSNP rs757518712, ClinGen allele CA5654458.
Genomic context (GRCh38, chr10:101,024,017, plus strand): 5'-ACGAAGATGCCCAGGCCATGCTCTGAGCCCCCGCGCACGCTGAAGCCCAGCCTCCCTGCT[G>A]GACTCTTCTCCACCCGGACTGAATGGATGATGTCACTTTCATCACTGTTGGCTGTGAGGA-3'
Protein context (NP_001182192.1, residues 83-103): IIHSVRVEKS[Pro93Leu]AGRLGFSVRG